The following is an entry in ClinVar:

ClinVar aggregate classification (germline): Uncertain significance (1 of 4 stars; one submission).

gnomAD v4.1: 1 of 1,613,622 alleles (0.000062%); highest among the groups gnomAD compares: Non-Finnish European, 0.000085%; no homozygotes.

Submission:

GeneDx
Classification: Uncertain significance. Last evaluated: 2025-02-27. Review status: criteria provided, single submitter. Criteria: GeneDx Variant Classification Process June 2021. Collection method: clinical testing. Allele origin: germline. Affected: yes.
Comment: Not observed at significant frequency in large population cohorts (gnomAD); In silico analysis indicates that this missense variant does not alter protein structure/function; Has not been previously published as pathogenic or benign to our knowledge

NM_003244.4(TGIF1):c.689G>A (p.Ser230Asn)

Gene: TGIF1 (TGFB induced factor homeobox 1; plus strand). Cytogenetic location: 18p11.31.
Variant type: single nucleotide variant.
Coding change: c.689G>A on transcript NM_003244.4 (MANE Select); coding-DNA position 689, G replaced by A.
Protein change: p.Ser230Asn; replaces serine 230 with asparagine.
Molecular consequence: missense variant.
Genome position (GRCh38, 1-based): chr18:3,457,810, G>A. VCF-style: chr18-3457810-G-A. GRCh37 (hg19) VCF-style: chr18-3457808-G-A.
Other names: c.698G>A, p.Ser233Asn (NM_001278682.2); c.689G>A, p.Ser230Asn (NM_001278684.2, NM_173208.3); c.629G>A, p.Ser210Asn (NM_001278686.3, NM_001374396.1, NM_001374397.1 and 5 more transcripts); c.731G>A, p.Ser244Asn (NM_173207.4); short protein forms S210N, S230N, S233N, S244N.
Identifiers: ClinVar variation 4077355 (VCV004077355.1).
Genomic context (GRCh38, chr18:3,457,810, plus strand): 5'-ACACCTCTCTCATGTACCCAGAGGACACTTGTAAATCTGGACCAAGTACGAATACACAGA[G>A]TGGTCTTTTCAACACTCCTCCCCCTACTCCACCGGACCTCAACCAGGACTTCAGTGGATT-3'
Protein context (NP_003235.1, residues 220-240): CKSGPSTNTQ[Ser230Asn]GLFNTPPPTP